The following is an entry in ClinVar:

NM_017849.4(TMEM127):c.485_491del (p.Lys162fs)

Gene: TMEM127 (transmembrane protein 127; minus strand). Cytogenetic location: 2q11.2.
Variant type: Deletion.
Coding change: c.485_491del on transcript NM_017849.4 (MANE Select); coding-DNA positions 485 to 491, 7 bases deleted (AGAAGTA; older notation c.485_491delAGAAGTA).
Protein change: p.Lys162fs; shifts the reading frame from lysine 162.
Molecular consequence: frameshift variant.
Genome position (GRCh38, 1-based): chr2:96,254,034-96,254,040, TACTTCT deleted on the plus strand (AGAAGTA on the coding strand, the reverse complement: TMEM127 is on the minus strand); deleting any 7 consecutive bases within chr2:96,254,034-96,254,042 gives the same sequence; the c. name uses the placement nearest the transcript's 3' end. VCF-style (leftmost placement, unchanged base first): chr2-96254033-GTACTTCT-G. GRCh37 (hg19) VCF-style: chr2-96919771-GTACTTCT-G.
Other names: c.485_491del, p.Lys162fs (NM_001193304.3); c.233_239del, p.Lys78fs (NM_001407282.1, NM_001407283.1); c.485_491delAGAAGTA (NM_017849.3); short protein forms K162fs, K78fs.
Identifiers: ClinVar variation 4865722 (VCV004865722.1).
Genomic context (GRCh38, chr2:96,254,033, plus strand): 5'-ACCAGCTCCTGCCACCAGGTAGAAGCTAACGGCGAAGGTGACATAGACCTGGGATCCATG[GTACTTCT>G]TATGCTGCTGCTGCTGGGCCAAGATGAGTTCAGAAGCCCAATAAGAAAAGCCAATGACGG-3'

ClinVar aggregate classification (germline): Likely pathogenic (1 of 4 stars; one submission).

Conditions:
Hereditary cancer-predisposing syndrome. Also called: Neoplastic Syndromes, Hereditary; Tumor predisposition; Hereditary Cancer Syndrome; Hereditary neoplastic syndrome. Identifiers: Orphanet 140162, MedGen C0027672, MeSH D009386, MONDO:0015356.

Submission:

Ambry Genetics
Classification: Likely pathogenic for Hereditary cancer-predisposing syndrome. Last evaluated: 2026-04-06. Review status: criteria provided, single submitter. Criteria: Ambry Variant Classification Scheme 2023. Collection method: clinical testing. Allele origin: germline.
Comment: The c.485_491delAGAAGTA variant, located in coding exon 3 of the TMEM127 gene, results from a deletion of 7 nucleotides at nucleotide positions 485 to 491, causing a translational frameshift with a predicted alternate stop codon (p.K162Tfs*143). This alteration occurs at the 3' terminus of the TMEM127 gene, is not expected to trigger nonsense-mediated mRNA decay and results in the elongation of the protein by 67 amino acids. This frameshift impacts approximately the last 32% of the native protein. Frameshifts are typically deleterious in nature, the impacted region is critical for protein function, and a significant portion of the protein is affected (Ambry internal data). Similar frameshifting elongations have been detected in individuals diagnosed with pheochromocytomas (Ambry internal data; Pat&oacute;cs A et al. Pathol Oncol Res 2016 Oct;22(4):673-9; Yu R et al. Endocrinol Diabetes Metab Case Rep 2017 May;2017; Armaiz-Pena G et al. J Clin Endocrinol Metab 2021 Jan;106(1):e350-e364). This variant is considered to be rare based on population cohorts in the Genome Aggregation Database (gnomAD). Based on the majority of available evidence to date, this variant is likely to be pathogenic.